The following is an entry in ClinVar:

NM_000239.3(LYZ):c.*191A>G

Gene: LYZ (lysozyme; plus strand). Cytogenetic location: 12q15.
Variant type: single nucleotide variant.
Coding change: c.*191A>G on transcript NM_000239.3 (MANE Select); 191 bases downstream of the stop codon, A replaced by G.
Molecular consequence: 3 prime UTR variant.
Genome position (GRCh38, 1-based): chr12:69,353,410, A>G. VCF-style: chr12-69353410-A-G. GRCh37 (hg19) VCF-style: chr12-69747190-A-G.
Identifiers: ClinVar variation 310336 (VCV000310336.5), dbSNP rs183375295, ClinGen allele CA10633506.

ClinVar aggregate classification (germline): Benign (1 of 4 stars; one submission).

Conditions:
Familial visceral amyloidosis, Ostertag type (AMYLD2). Also called: AMYLOIDOSIS VIII; Ostertag type amyloidosis; Familial visceral amyloidosis; Hereditary Renal Amyloidosis; Amyloidosis, hepatic and systemic; AMYLOIDOSIS, HEREDITARY SYSTEMIC 2. Identifiers: Orphanet 85450, MedGen C0268389, MONDO:0007099, OMIM 105200.

Allele frequency attached by ClinVar (database versions not stated): TOPMed 0.00081; gnomAD 0.00101 and 0.00127; 1000 Genomes Project 30x 0.00172; 1000 Genomes Project 0.00200; gnomAD exomes 0.00336.
gnomAD v4.1: 1,802 of 645,514 alleles (0.28%); highest among the groups gnomAD compares: East Asian, 3.1%; 34 homozygotes.

Submission:

Illumina Laboratory Services, Illumina
Classification: Benign for Familial visceral amyloidosis, Ostertag type. Last evaluated: 2018-01-13. Review status: criteria provided, single submitter. Criteria: ICSL Variant Classification Criteria 13 December 2019. Collection method: clinical testing. Allele origin: germline.
Comment: This variant was observed in the ICSL laboratory as part of a predisposition screen in an ostensibly healthy population. It had not been previously curated by ICSL or reported in the Human Gene Mutation Database (HGMD: prior to June 1st, 2018), and was therefore a candidate for classification through an automated scoring system. Utilizing variant allele frequency, disease prevalence and penetrance estimates, and inheritance mode, an automated score was calculated to assess if this variant is too frequent to cause the disease. Based on the score and internal cut-off values, a variant classified as benign is not then subjected to further curation. The score for this variant resulted in a classification of benign for this disease.